The following is an entry in ClinVar:

NM_006017.3(PROM1):c.2104C>G (p.Leu702Val)

Gene: PROM1 (prominin 1; minus strand). Cytogenetic location: 4p15.32.
Variant type: single nucleotide variant.
Coding change: c.2104C>G on transcript NM_006017.3 (MANE Select); coding-DNA position 2104, C replaced by G.
Protein change: p.Leu702Val; replaces leucine 702 with valine.
Molecular consequence: missense variant.
Genome position (GRCh38, 1-based): chr4:15,987,689, G>C on the plus strand (C>G on the coding strand, the complement: PROM1 is on the minus strand). VCF-style: chr4-15987689-G-C. GRCh37 (hg19) VCF-style: chr4-15989312-G-C.
Other names: c.2077C>G, p.Leu693Val (NM_001145847.2, NM_001145848.2, NM_001145851.2 and 4 more transcripts); c.2104C>G, p.Leu702Val (NM_001145849.2, NM_001145850.2); short protein forms L702V, L693V.
Identifiers: ClinVar variation 1498224 (VCV001498224.6), dbSNP rs1183106670, ClinGen allele CA356429077.

ClinVar aggregate classification (germline): Uncertain significance (1 of 4 stars; one submission).

Allele frequency attached by ClinVar (database versions not stated): TOPMed 0.00001.

Submission:

Labcorp Genetics (formerly Invitae), Labcorp
Classification: Uncertain significance. Last evaluated: 2025-01-27. Review status: criteria provided, single submitter. Criteria: Invitae Variant Classification Sherloc (09022015). Collection method: clinical testing. Allele origin: germline.
Comment: This sequence change replaces leucine, which is neutral and non-polar, with valine, which is neutral and non-polar, at codon 702 of the PROM1 protein (p.Leu702Val). This variant is not present in population databases (gnomAD no frequency). This variant has not been reported in the literature in individuals affected with PROM1-related conditions. ClinVar contains an entry for this variant (Variation ID: 1498224). Invitae Evidence Modeling of protein sequence and biophysical properties (such as structural, functional, and spatial information, amino acid conservation, physicochemical variation, residue mobility, and thermodynamic stability) indicates that this missense variant is not expected to disrupt PROM1 protein function with a negative predictive value of 80%. In summary, the available evidence is currently insufficient to determine the role of this variant in disease. Therefore, it has been classified as a Variant of Uncertain Significance.